The following is an entry in ClinVar:

NM_001283009.2(RTEL1):c.1811C>G (p.Ala604Gly)

Genes: RTEL1 (regulator of telomere elongation helicase 1; plus strand), RTEL1-TNFRSF6B (RTEL1-TNFRSF6B readthrough (NMD candidate); plus strand). Cytogenetic location: 20q13.33.
Variant type: single nucleotide variant.
Coding change: c.1811C>G on transcript NM_001283009.2 (MANE Select); coding-DNA position 1811, C replaced by G.
Protein change: p.Ala604Gly; replaces alanine 604 with glycine.
Molecular consequence: missense variant. On other transcripts: non-coding transcript variant (1).
Genome position (GRCh38, 1-based): chr20:63,689,065, C>G. VCF-style: chr20-63689065-C-G. GRCh37 (hg19) VCF-style: chr20-62320418-C-G.
Other names: c.1142C>G, p.Ala381Gly (NM_001283010.1); c.1811C>G, p.Ala604Gly (NM_016434.4); c.1883C>G, p.Ala628Gly (NM_032957.5); short protein forms A381G, A604G, A628G.
Identifiers: ClinVar variation 4863606 (VCV004863606.1).
Genomic context (GRCh38, chr20:63,689,065, plus strand): 5'-AAGGGGCTGGGGGGGGGCTCCAGGCTCAGCCTCACCAACTTTCCTTCCAGACCATCAGTG[C>G]TTACTATGCAAGGGTTGCCGCCCCTGGGTCCACCGGCGCCACCTTCCTGGCGGTCTGCCG-3'
Protein context (NP_001269938.1, residues 594-614): SKGSFSETIS[Ala604Gly]YYARVAAPGS

ClinVar aggregate classification (germline): Uncertain significance (1 of 4 stars; one submission).

Conditions:
Inborn genetic diseases. Identifiers: MedGen C0950123, MeSH D030342.

gnomAD v4.1: 4 of 1,611,070 alleles (0.00025%); highest among the groups gnomAD compares: Non-Finnish European, 0.00034%; no homozygotes.

Submission:

Ambry Genetics
Classification: Uncertain significance for Inborn genetic diseases. Last evaluated: 2026-05-28. Review status: criteria provided, single submitter. Criteria: Ambry Variant Classification Scheme 2023. Collection method: clinical testing. Allele origin: germline.
Comment: The p.A604G variant (also known as c.1811C>G), located in coding exon 21 of the RTEL1 gene, results from a C to G substitution at nucleotide position 1811. The alanine at codon 604 is replaced by glycine, an amino acid with similar properties. This amino acid position is conserved. In addition, this alteration is predicted to be tolerated by in silico analysis. Based on the available evidence, the clinical significance of this variant remains unclear.